The following is an entry in ClinVar:

ClinVar aggregate classification (germline): Uncertain significance. Review status: criteria provided, multiple submitters, no conflicts (2 of 4 stars). 3 submissions from 3 submitters: Uncertain significance (3). Last evaluated 2025-10-11.

Conditions:
Charcot-Marie-Tooth disease type 2. Also called: Charcot-Marie-Tooth type 2. Identifiers: Orphanet 64746, MedGen C0270914, MONDO:0018993.
Neuroblastoma (NB). Identifiers: Orphanet 635, MedGen C0027819, MeSH D009447, MONDO:0005072, HP:0003006.

Allele frequency attached by ClinVar (database versions not stated): gnomAD exomes 0.00002 and 0.00004; TOPMed 0.00001; ESP Exome Variant Server 0.00015; gnomAD 0.00001; ExAC 0.00002.
gnomAD v4.1: 62 of 1,610,044 alleles (0.0039%); highest among the groups gnomAD compares: Non-Finnish European, 0.0052%; no homozygotes.

Submissions (3):

Labcorp Genetics (formerly Invitae), Labcorp
Classification: Uncertain significance for Charcot-Marie-Tooth disease type 2. Last evaluated: 2025-10-11. Review status: criteria provided, single submitter. Criteria: Invitae Variant Classification Sherloc (09022015). Collection method: clinical testing. Allele origin: germline.
Comment: This sequence change replaces isoleucine, which is neutral and non-polar, with methionine, which is neutral and non-polar, at codon 1756 of the KIF1B protein (p.Ile1756Met). This variant is present in population databases (rs150737970, gnomAD 0.004%). This variant has not been reported in the literature in individuals affected with KIF1B-related conditions. ClinVar contains an entry for this variant (Variation ID: 801434). An algorithm developed to predict the effect of missense changes on protein structure and function (PolyPhen-2) suggests that this variant is likely to be disruptive. In summary, the available evidence is currently insufficient to determine the role of this variant in disease. Therefore, it has been classified as a Variant of Uncertain Significance.

Ambry Genetics
Classification: Uncertain significance. Last evaluated: 2025-09-29. Review status: criteria provided, single submitter. Criteria: Ambry Variant Classification Scheme 2023. Collection method: clinical testing. Allele origin: germline.
Comment: The p.I1756M variant (also known as c.5268A>G), located in coding exon 45 of the KIF1B gene, results from an A to G substitution at nucleotide position 5268. The isoleucine at codon 1756 is replaced by methionine, an amino acid with highly similar properties. This amino acid position is highly conserved in available vertebrate species. In addition, the in silico prediction for this alteration is inconclusive. The evidence for this gene-disease relationship is limited; therefore, the clinical significance of this alteration is unclear.

Mendelics
Classification: Uncertain significance for Neuroblastoma, susceptibility to, 1. Last evaluated: 2019-05-28. Review status: criteria provided, single submitter. Criteria: Mendelics Assertion Criteria 2017. Collection method: clinical testing. Allele origin: unknown.

NM_001365951.3(KIF1B):c.5406A>G (p.Ile1802Met)

Gene: KIF1B (kinesin family member 1B; plus strand). Cytogenetic location: 1p36.22.
Variant type: single nucleotide variant.
Coding change: c.5406A>G on transcript NM_001365951.3 (MANE Select); coding-DNA position 5406, A replaced by G.
Protein change: p.Ile1802Met; replaces isoleucine 1802 with methionine.
Molecular consequence: missense variant.
Genome position (GRCh38, 1-based): chr1:10,375,371, A>G. VCF-style: chr1-10375371-A-G. GRCh37 (hg19) VCF-style: chr1-10435429-A-G.
Other names: c.5406A>G, p.Ile1802Met (NM_001365952.1); c.5268A>G, p.Ile1756Met (NM_015074.3); short protein forms I1756M, I1802M.
Identifiers: ClinVar variation 801434 (VCV000801434.9), dbSNP rs150737970, ClinGen allele CA582329.